The following is an entry in ClinVar:

NC_000001.10:g.(?_27124034)_(27124335_?)del

Gene: PIGV (phosphatidylinositol glycan anchor biosynthesis class V; plus strand). Cytogenetic location: 1p36.11.
Variant type: Deletion.
Identifiers: ClinVar variation 1468888 (VCV001468888.7).

ClinVar aggregate classification (germline): Uncertain significance (1 of 4 stars; one submission).

Submission:

Labcorp Genetics (formerly Invitae), Labcorp
Classification: Uncertain significance. Last evaluated: 2022-07-05. Review status: criteria provided, single submitter. Criteria: Invitae Variant Classification Sherloc (09022015). Collection method: clinical testing. Allele origin: germline.
Comment: This variant has not been reported in the literature in individuals affected with PIGV-related conditions. In summary, the available evidence is currently insufficient to determine the role of this variant in disease. Therefore, it has been classified as a Variant of Uncertain Significance. Experimental studies and prediction algorithms are not available or were not evaluated, and the functional significance of this variant is currently unknown. This variant is a gross deletion of the genomic region encompassing exon(s) 4 of the PIGV gene, which includes the termination codon. This deletion extends beyond the assayed region for this gene and therefore may encompass additional genes. While this deletion is not anticipated to lead to nonsense mediated decay, it is expected to alter mRNA translation or result in a truncated protein product.